The following is an entry in ClinVar:

NM_000447.3(PSEN2):c.-275C>T

Gene: PSEN2 (presenilin 2; plus strand). Cytogenetic location: 1q42.13.
Variant type: single nucleotide variant.
Coding change: c.-275C>T on transcript NM_000447.3 (MANE Select); 275 bases upstream of the start codon, C replaced by T.
Molecular consequence: 5 prime UTR variant.
Genome position (GRCh38, 1-based): chr1:226,871,336, C>T. VCF-style: chr1-226871336-C-T. GRCh37 (hg19) VCF-style: chr1-227059037-C-T.
Other names: c.-275C>T (NM_012486.3).
Identifiers: ClinVar variation 295983 (VCV000295983.6), dbSNP rs1295645, ClinGen allele CA10610174.

ClinVar aggregate classification (germline): Benign. Review status: criteria provided, multiple submitters, no conflicts (2 of 4 stars). 3 submissions from 2 submitters: Benign (3). Last evaluated 2018-01-12.

Conditions:
Dilated cardiomyopathy 1V (CMD1V). Identifiers: Orphanet 154, MedGen C3150958, MONDO:0013373, OMIM 613697.
Alzheimer disease 4 (AD4). Identifiers: Orphanet 1020, MedGen C1847200, MONDO:0011743, OMIM 606889.

Allele frequency attached by ClinVar (database versions not stated): 1000 Genomes Project 30x 0.14522; TOPMed 0.14942; 1000 Genomes Project 0.15076; gnomAD 0.15385 and 0.15570; gnomAD exomes 0.21212.

Submissions (3):

Illumina Laboratory Services, Illumina
Classification: Benign for Alzheimer disease 4. Last evaluated: 2018-01-12. Review status: criteria provided, single submitter. Criteria: ICSL Variant Classification Criteria 13 December 2019. Collection method: clinical testing. Allele origin: germline.
Comment: This variant was observed in the ICSL laboratory as part of a predisposition screen in an ostensibly healthy population. It had not been previously curated by ICSL or reported in the Human Gene Mutation Database (HGMD: prior to June 1st, 2018), and was therefore a candidate for classification through an automated scoring system. Utilizing variant allele frequency, disease prevalence and penetrance estimates, and inheritance mode, an automated score was calculated to assess if this variant is too frequent to cause the disease. Based on the score and internal cut-off values, a variant classified as benign is not then subjected to further curation. The score for this variant resulted in a classification of benign for this disease.

Illumina Laboratory Services, Illumina
Classification: Benign for Dilated cardiomyopathy 1V. Last evaluated: 2018-01-12. Review status: criteria provided, single submitter. Criteria: ICSL Variant Classification Criteria 13 December 2019. Collection method: clinical testing. Allele origin: germline.
Comment: the same text as in the submission from Illumina Laboratory Services, Illumina above.

Breakthrough Genomics
Classification: Benign. Review status: criteria provided, single submitter. Criteria: ACMG Guidelines, 2015. Collection method: not provided. Allele origin: germline. Inheritance: Autosomal dominant inheritance. Affected: yes.